The following is an entry in ClinVar:

ClinVar aggregate classification (germline): Likely pathogenic (1 of 4 stars; one submission).

Conditions:
Intellectual developmental disorder, autosomal dominant 65. Also called: MENTAL RETARDATION, AUTOSOMAL DOMINANT 65. Identifiers: MedGen C5543371, MONDO:0023657, OMIM 619320.

Submission:

3billion
Classification: Likely pathogenic for Intellectual developmental disorder, autosomal dominant 65. Last evaluated: 2026-01-07. Review status: criteria provided, single submitter. Criteria: ACMG Guidelines, 2015. Collection method: clinical testing. Allele origin: germline. Affected: yes.
Comment: The variant is not observed in the gnomAD v4.1.0 dataset. Predicted Consequence/Location: Missense variant Damaging effect on gene or gene product predicted by in silico programs is uncertain [REVEL: 0.47 (damaging >=0.6, benign <0.4), 3Cnet: 0.21 (damaging >0.75, benign <0.1)]. Therefore, this variant is classified as Likely pathogenic according to the recommendation of ACMG/AMP guideline.

NM_015015.3(KDM4B):c.54T>A (p.Phe18Leu)

Gene: KDM4B (lysine demethylase 4B; plus strand). Cytogenetic location: 19p13.3.
Variant type: single nucleotide variant.
Coding change: c.54T>A on transcript NM_015015.3 (MANE Select); coding-DNA position 54, T replaced by A.
Protein change: p.Phe18Leu; replaces phenylalanine 18 with leucine.
Molecular consequence: missense variant.
Genome position (GRCh38, 1-based): chr19:5,032,944, T>A. VCF-style: chr19-5032944-T-A. GRCh37 (hg19) VCF-style: chr19-5032955-T-A.
Other names: c.54T>A, p.Phe18Leu (NM_001370093.1, NM_001370094.1, NM_001411148.1); short protein forms F18L.
Identifiers: ClinVar variation 4855190 (VCV004855190.1).